The following is an entry in ClinVar:

NM_000245.4(MET):c.2265-16T>A

Gene: MET (MET proto-oncogene, receptor tyrosine kinase; plus strand). Cytogenetic location: 7q31.2.
Variant type: single nucleotide variant.
Coding change: c.2265-16T>A on transcript NM_000245.4 (MANE Select); 16 bases into the intron before coding-DNA position 2265, T replaced by A.
Molecular consequence: intron variant. On other transcripts: missense variant (1).
Genome position (GRCh38, 1-based): chr7:116,759,375, T>A. VCF-style: chr7-116759375-T-A. GRCh37 (hg19) VCF-style: chr7-116399429-T-A.
Other names: c.2303T>A, p.Leu768Gln (NM_001127500.3); c.975-16T>A (NM_001324402.2); c.2265-16T>A (NM_001324401.3); short protein forms L768Q.
Identifiers: ClinVar variation 5024414 (VCV005024414.1).

ClinVar aggregate classification (germline): Uncertain significance (1 of 4 stars; one submission).

Conditions:
Hereditary cancer-predisposing syndrome. Also called: Neoplastic Syndromes, Hereditary; Tumor predisposition; Hereditary neoplastic syndrome; Hereditary Cancer Syndrome. Identifiers: Orphanet 140162, MedGen C0027672, MeSH D009386, MONDO:0015356.

Submission:

Ambry Genetics
Classification: Uncertain significance for Hereditary cancer-predisposing syndrome. Last evaluated: 2026-07-28. Review status: criteria provided, single submitter. Criteria: Ambry Variant Classification Scheme 2023. Collection method: clinical testing. Allele origin: germline.
Comment: The p.L768Q variant (also known as c.2303T>A), located in coding exon 9 of the MET gene, results from a T to A substitution at nucleotide position 2303. The leucine at codon 768 is replaced by glutamine, an amino acid with dissimilar properties. This amino acid position is conserved. In addition, this alteration is predicted to be tolerated by in silico analysis. Based on the available evidence, the clinical significance of this variant remains unclear.